The following is an entry in ClinVar:

NM_004168.4(SDHA):c.27G>A (p.Arg9=)

Gene: SDHA (succinate dehydrogenase complex flavoprotein subunit A; plus strand). Cytogenetic location: 5p15.33.
Variant type: single nucleotide variant.
Coding change: c.27G>A on transcript NM_004168.4 (MANE Select); coding-DNA position 27, G replaced by A.
Protein change: p.Arg9=; no amino-acid change (arginine 9 retained).
Molecular consequence: synonymous variant.
Genome position (GRCh38, 1-based): chr5:218,382, G>A. VCF-style: chr5-218382-G-A. GRCh37 (hg19) VCF-style: chr5-218497-G-A.
Other names: c.27G>A, p.Arg9= (NM_001294332.2, NM_001330758.2).
Identifiers: ClinVar variation 1593543 (VCV001593543.12), dbSNP rs2126522501, ClinGen allele CA442689543.
Genomic context (GRCh38, chr5:218,382, plus strand): 5'-GGACTGGCGGGACTGCGCGGCGGCAACAGCAGACATGTCGGGGGTCCGGGGCCTGTCGCG[G>A]CTGCTGAGCGCTCGGCGCCTGGCGCTGGCCAAGGCGGTGAGTCCGTGCCGCGGACCGGGG-3'
Protein context (NP_004159.2, residues 1-19): MSGVRGLS[Arg9=]LLSARRLALA

ClinVar aggregate classification (germline): Benign/Likely benign. Review status: criteria provided, multiple submitters, no conflicts (2 of 4 stars). 4 submissions from 4 submitters: Benign (1); Likely benign (3). Last evaluated 2025-02-28.

Conditions:
Pheochromocytoma/paraganglioma syndrome 5. Also called: Paragangliomas 5; SDHA-Related Hereditary Paraganglioma-Pheochromocytoma Syndrome. Identifiers: Orphanet 29072, MedGen C3279992, MONDO:0013602, OMIM 614165.
Mitochondrial complex II deficiency, nuclear type 1. Also called: SUCCINATE CoQ REDUCTASE DEFICIENCY. Identifiers: Orphanet 3208, MedGen C5700310, MONDO:0100294, OMIM 252011.
Hereditary cancer-predisposing syndrome. Also called: Hereditary Cancer Syndrome; Neoplastic Syndromes, Hereditary; Hereditary neoplastic syndrome; Tumor predisposition. Identifiers: Orphanet 140162, MedGen C0027672, MeSH D009386, MONDO:0015356.

Submissions (4):

Myriad Genetics, Inc.
Classification: Benign for Pheochromocytoma/paraganglioma syndrome 5. Last evaluated: 2025-02-28. Review status: criteria provided, single submitter. Criteria: Myriad Autosomal Dominant, Autosomal Recessive and X-Linked Classification Criteria (2023). Collection method: clinical testing. Allele origin: unknown.
Comment: This variant is considered benign. This variant is a silent/synonymous amino acid change and it is not expected to impact splicing.

Labcorp Genetics (formerly Invitae), Labcorp
Classification: Likely benign for Pheochromocytoma/paraganglioma syndrome 5; Mitochondrial complex II deficiency, nuclear type 1. Last evaluated: 2024-12-24. Review status: criteria provided, single submitter. Criteria: Invitae Variant Classification Sherloc (09022015). Collection method: clinical testing. Allele origin: germline.

Blueprint Genetics
Classification: Likely benign. Last evaluated: 2023-03-07. Review status: criteria provided, single submitter. Criteria: ACMG Guidelines, 2015. Collection method: clinical testing. Allele origin: germline.

Ambry Genetics
Classification: Likely benign for Hereditary cancer-predisposing syndrome. Last evaluated: 2021-09-08. Review status: criteria provided, single submitter. Criteria: Ambry Variant Classification Scheme 2023. Collection method: clinical testing. Allele origin: germline.